The following is an entry in ClinVar:

ClinVar aggregate classification (germline): Pathogenic (1 of 4 stars; one submission).

Submission:

GeneDx
Classification: Pathogenic. Last evaluated: 2023-01-04. Review status: criteria provided, single submitter. Criteria: GeneDx Variant Classification Process June 2021. Collection method: clinical testing. Allele origin: germline. Affected: yes.
Comment: Reported in association with long QT Syndrome in published literature (Kapplinger et al., 2009); Not observed at significant frequency in large population cohorts (gnomAD); Nonsense variant predicted to result in protein truncation or nonsense mediated decay in a gene for which loss-of-function is a known mechanism of disease; This variant is associated with the following publications: (PMID: 25525159, 19716085)

NM_000238.4(KCNH2):c.640G>T (p.Glu214Ter)

Gene: KCNH2 (potassium voltage-gated channel subfamily H member 2; minus strand). Cytogenetic location: 7q36.1.
Variant type: single nucleotide variant.
Coding change: c.640G>T on transcript NM_000238.4 (MANE Select); coding-DNA position 640, G replaced by T.
Protein change: p.Glu214Ter; replaces glutamic acid 214 with a stop codon.
Molecular consequence: nonsense.
Genome position (GRCh38, 1-based): chr7:150,958,335, C>A on the plus strand (G>T on the coding strand, the complement: KCNH2 is on the minus strand). VCF-style: chr7-150958335-C-A. GRCh37 (hg19) VCF-style: chr7-150655423-C-A.
Other names: c.352G>T, p.Glu118Ter (NM_001406753.1, NM_001406756.1); c.463G>T, p.Glu155Ter (NM_001406755.1); c.340G>T, p.Glu114Ter (NM_001406757.1); c.640G>T, p.Glu214Ter (NM_172056.3); short protein forms E114*, E155*, E214*, E118*.
Identifiers: ClinVar variation 1810619 (VCV001810619.1), dbSNP rs764251922, ClinGen allele CA369863008.